The following is an entry in ClinVar:

NM_001372078.1(REV3L):c.6309C>T (p.Pro2103=)

Gene: REV3L (REV3 like, DNA directed polymerase zeta catalytic subunit; minus strand). Cytogenetic location: 6q21.
Variant type: single nucleotide variant.
Coding change: c.6309C>T on transcript NM_001372078.1 (MANE Select); coding-DNA position 6309, C replaced by T.
Protein change: p.Pro2103=; no amino-acid change (proline 2103 retained).
Molecular consequence: synonymous variant.
Genome position (GRCh38, 1-based): chr6:111,367,479, G>A on the plus strand (C>T on the coding strand, the complement: REV3L is on the minus strand). VCF-style: chr6-111367479-G-A. GRCh37 (hg19) VCF-style: chr6-111688682-G-A.
Other names: c.6075C>T, p.Pro2025= (NM_001286431.2, NM_001286432.2); c.6309C>T, p.Pro2103= (NM_002912.5).
Identifiers: ClinVar variation 3055335 (VCV003055335.2), dbSNP rs3218590, ClinGen allele CA3961726.

ClinVar aggregate classification (germline): Benign (0 of 4 stars; one submission).

Conditions:
REV3L-related disorder. Also called: REV3L-related condition.

Allele frequency attached by ClinVar (database versions not stated): gnomAD exomes 0.00355; ExAC 0.01188; gnomAD 0.03737; 1000 Genomes Project 0.03974; 1000 Genomes Project 30x 0.04263; TOPMed 0.04325; ESP Exome Variant Server 0.04613.
gnomAD v4.1: 11,067 of 1,606,864 alleles (0.69%); highest among the groups gnomAD compares: African/African-American, 13%; 697 homozygotes.

Submission:

PreventionGenetics, part of Exact Sciences
Classification: Benign for REV3L-related condition. Last evaluated: 2019-03-21. Review status: no assertion criteria provided. Collection method: clinical testing. Allele origin: germline.
Comment: This variant is classified as benign based on ACMG/AMP sequence variant interpretation guidelines (Richards et al. 2015 PMID: 25741868, with internal and published modifications).